The following is an entry in ClinVar:

NM_018489.3(ASH1L):c.1686_1691dup (p.Val564_Asn565insSerVal)

Gene: ASH1L (ASH1 like histone lysine methyltransferase; minus strand). Cytogenetic location: 1q22.
Variant type: Duplication.
Coding change: c.1686_1691dup on transcript NM_018489.3 (MANE Select); coding-DNA positions 1686 to 1691, 6 bases duplicated (ATCTGT; older notation c.1686_1691dupATCTGT).
Protein change: p.Val564_Asn565insSerVal.
Molecular consequence: inframe insertion.
Genome position (GRCh38, 1-based): chr1:155,481,179-155,481,184, ACAGAT duplicated on the plus strand (ATCTGT on the coding strand, the reverse complement: ASH1L is on the minus strand); duplicating any 6 consecutive bases within chr1:155,481,179-155,481,188 gives the same sequence; the c. name uses the placement nearest the transcript's 3' end. VCF-style (leftmost placement, unchanged base first): chr1-155481178-A-AACAGAT. GRCh37 (hg19) VCF-style: chr1-155450969-A-AACAGAT.
Other names: c.1686_1691dup, p.Val564_Asn565insSerVal (NM_001366177.2).
Identifiers: ClinVar variation 2578585 (VCV002578585.25), dbSNP rs749159006, ClinGen allele CA1147312.
Genomic context (GRCh38, chr1:155,481,178, plus strand): 5'-AAGTAATGGATTAGGAGCCAACTGTGAAGAAGTTTCAGGGGGACTTCTGGTTAAAGGATT[A>AACAGAT]ACAGATACAGTAGGTGATGGGGAAGGGAGATTGCTTTCTCCTACTGCACTGAATGGGGAT-3'

ClinVar aggregate classification (germline): Likely benign (1 of 4 stars; one submission).

Submission:

CeGaT Center for Human Genetics Tuebingen
Classification: Likely benign. Last evaluated: 2026-03-01. Review status: criteria provided, single submitter. Criteria: CeGaT Center For Human Genetics Tuebingen Variant Classification Criteria Version 2. Collection method: clinical testing. Allele origin: germline. Affected: yes. Observed: 2 variant alleles.
Comment: ASH1L: PM4, BS1